The following is an entry in ClinVar:

NM_022051.3(EGLN1):c.94C>A (p.Arg32Ser)

Gene: EGLN1 (egl-9 family hypoxia inducible factor 1; minus strand). Cytogenetic location: 1q42.2.
Variant type: single nucleotide variant.
Coding change: c.94C>A on transcript NM_022051.3 (MANE Select); coding-DNA position 94, C replaced by A.
Protein change: p.Arg32Ser; replaces arginine 32 with serine.
Molecular consequence: missense variant.
Genome position (GRCh38, 1-based): chr1:231,421,795, G>T on the plus strand (C>A on the coding strand, the complement: EGLN1 is on the minus strand). VCF-style: chr1-231421795-G-T. GRCh37 (hg19) VCF-style: chr1-231557541-G-T.
Other names: c.94C>A, p.Arg32Ser (NM_001377260.1, NM_001377261.1); short protein forms R32S.
Identifiers: ClinVar variation 2560770 (VCV002560770.2), dbSNP rs1656630773, ClinGen allele CA345239055.

ClinVar aggregate classification (germline): Uncertain significance (1 of 4 stars; one submission).

Submission:

Ambry Genetics
Classification: Uncertain significance. Last evaluated: 2023-06-10. Review status: criteria provided, single submitter. Criteria: Ambry Variant Classification Scheme 2023. Collection method: clinical testing. Allele origin: germline.
Comment: The p.R32S variant (also known as c.94C>A), located in coding exon 1 of the EGLN1 gene, results from a C to A substitution at nucleotide position 94. The arginine at codon 32 is replaced by serine, an amino acid with dissimilar properties. This amino acid position is conserved. In addition, the in silico prediction for this alteration is inconclusive. Since supporting evidence is limited at this time, the clinical significance of this alteration remains unclear.